The following is an entry in ClinVar:

NM_182914.3(SYNE2):c.3506G>A (p.Arg1169His)

Gene: SYNE2 (spectrin repeat containing nuclear envelope protein 2; plus strand). Cytogenetic location: 14q23.2.
Variant type: single nucleotide variant.
Coding change: c.3506G>A on transcript NM_182914.3 (MANE Select); coding-DNA position 3506, G replaced by A.
Protein change: p.Arg1169His; replaces arginine 1169 with histidine.
Molecular consequence: missense variant.
Genome position (GRCh38, 1-based): chr14:64,000,587, G>A. VCF-style: chr14-64000587-G-A. GRCh37 (hg19) VCF-style: chr14-64467305-G-A.
Other names: c.3506G>A, p.Arg1169His (NM_015180.6); short protein forms R1169H.
Identifiers: ClinVar variation 282514 (VCV000282514.25), dbSNP rs200437377, ClinGen allele CA7219988.

ClinVar aggregate classification (germline): Conflicting classifications of pathogenicity. Review status: criteria provided, conflicting classifications (1 of 4 stars). 8 submissions from 8 submitters: Uncertain significance (3); Benign (1); Likely benign (3). 1 of the submissions does not count toward it. Last evaluated 2026-01-23.

Conditions:
SYNE2-related disorder. Also called: SYNE2-related condition.
Emery-Dreifuss muscular dystrophy 5, autosomal dominant (EDMD5). Also called: EMERY-DREIFUSS MUSCULAR DYSTROPHY 5. Identifiers: Orphanet 261, MedGen C2751805, MONDO:0013072, OMIM 612999.

Allele frequency attached by ClinVar (database versions not stated): 1000 Genomes Project 30x 0.00031; ExAC 0.00042; gnomAD exomes 0.00049; TOPMed 0.00053; gnomAD 0.00064; ESP Exome Variant Server 0.00094.
gnomAD v4.1: 1,531 of 1,613,294 alleles (0.095%); highest among the groups gnomAD compares: Middle Eastern, 0.18%; 1 homozygote.

Submissions (8):

Labcorp Genetics (formerly Invitae), Labcorp
Classification: Likely benign for Emery-Dreifuss muscular dystrophy 5, autosomal dominant. Last evaluated: 2026-01-23. Review status: criteria provided, single submitter. Criteria: Invitae Variant Classification Sherloc (09022015). Collection method: clinical testing. Allele origin: germline.

Blueprint Genetics
Classification: Likely benign. Last evaluated: 2024-11-04. Review status: criteria provided, single submitter. Criteria: ACMG Guidelines, 2015. Collection method: clinical testing. Allele origin: germline.

Ambry Genetics
Classification: Uncertain significance. Last evaluated: 2024-01-16. Review status: criteria provided, single submitter. Criteria: Ambry Variant Classification Scheme 2023. Collection method: clinical testing. Allele origin: germline.

Revvity Omics, Revvity
Classification: Likely benign for Emery-Dreifuss muscular dystrophy 5, autosomal dominant. Last evaluated: 2023-06-19. Review status: criteria provided, single submitter. Criteria: ACMG Guidelines, 2015. Collection method: clinical testing. Allele origin: germline.

Illumina Laboratory Services, Illumina
Classification: Benign for Emery-Dreifuss muscular dystrophy 5, autosomal dominant. Last evaluated: 2018-01-12. Review status: criteria provided, single submitter. Criteria: ICSL Variant Classification Criteria 13 December 2019. Collection method: clinical testing. Allele origin: germline.
Comment: This variant was observed in the ICSL laboratory as part of a predisposition screen in an ostensibly healthy population. It had not been previously curated by ICSL or reported in the Human Gene Mutation Database (HGMD: prior to June 1st, 2018), and was therefore a candidate for classification through an automated scoring system. Utilizing variant allele frequency, disease prevalence and penetrance estimates, and inheritance mode, an automated score was calculated to assess if this variant is too frequent to cause the disease. Based on the score and internal cut-off values, a variant classified as benign is not then subjected to further curation. The score for this variant resulted in a classification of benign for this disease.

Athena Diagnostics
Classification: Uncertain significance. Last evaluated: 2016-10-25. Review status: criteria provided, single submitter. Criteria: Athena Diagnostics Criteria. Collection method: clinical testing. Allele origin: germline.

Eurofins Ntd Llc (ga)
Classification: Uncertain significance. Last evaluated: 2015-08-07. Review status: criteria provided, single submitter. Criteria: EGL Classification Definitions 2015. Collection method: clinical testing. Allele origin: germline. Observed: 6 variant alleles, 6 heterozygotes.

PreventionGenetics, part of Exact Sciences
Classification: Likely benign for SYNE2-related condition. Last evaluated: 2023-01-10. Review status: no assertion criteria provided. Collection method: clinical testing. Allele origin: germline. Not counted in ClinVar's aggregate classification.
Comment: This variant is classified as likely benign based on ACMG/AMP sequence variant interpretation guidelines (Richards et al. 2015 PMID: 25741868, with internal and published modifications).